The following is an entry in ClinVar:

NM_030632.3(ASXL3):c.1273A>G (p.Met425Val)

Gene: ASXL3 (ASXL transcriptional regulator 3; plus strand). Cytogenetic location: 18q12.1.
Variant type: single nucleotide variant.
Coding change: c.1273A>G on transcript NM_030632.3 (MANE Select); coding-DNA position 1273, A replaced by G.
Protein change: p.Met425Val; replaces methionine 425 with valine.
Molecular consequence: missense variant.
Genome position (GRCh38, 1-based): chr18:33,738,677, A>G. VCF-style: chr18-33738677-A-G. GRCh37 (hg19) VCF-style: chr18-31318641-A-G.
Other names: short protein forms M425V.
Identifiers: ClinVar variation 4160208 (VCV004160208.7).

ClinVar aggregate classification (germline): Likely benign. Review status: criteria provided, multiple submitters, no conflicts (2 of 4 stars). 3 submissions from 3 submitters: Likely benign (3). Last evaluated 2025-12-01.

Conditions:
Inborn genetic diseases. Identifiers: MedGen C0950123, MeSH D030342.

gnomAD v4.1: 100 of 1,613,866 alleles (0.0062%); highest among the groups gnomAD compares: Non-Finnish European, 0.0081%; no homozygotes.

Submissions (3):

CeGaT Center for Human Genetics Tuebingen
Classification: Likely benign. Last evaluated: 2025-12-01. Review status: criteria provided, single submitter. Criteria: CeGaT Center For Human Genetics Tuebingen Variant Classification Criteria Version 2. Collection method: clinical testing. Allele origin: germline. Affected: yes. Observed: 1 variant allele.
Comment: ASXL3: BP4, BS2

Ambry Genetics
Classification: Likely benign for Inborn genetic diseases. Last evaluated: 2025-08-09. Review status: criteria provided, single submitter. Criteria: Ambry Variant Classification Scheme 2023. Collection method: clinical testing. Allele origin: germline.

Blueprint Genetics
Classification: Likely benign. Last evaluated: 2023-06-13. Review status: criteria provided, single submitter. Criteria: ACMG Guidelines, 2015. Collection method: clinical testing. Allele origin: germline.